The following is an entry in ClinVar:

NM_001267550.2(TTN):c.43836A>G (p.Ala14612=)

Gene: TTN (titin; minus strand). Cytogenetic location: 2q31.2.
Variant type: single nucleotide variant.
Coding change: c.43836A>G on transcript NM_001267550.2 (MANE Select); coding-DNA position 43836, A replaced by G.
Protein change: p.Ala14612=; no amino-acid change (alanine 14612 retained).
Molecular consequence: synonymous variant.
Genome position (GRCh38, 1-based): chr2:178,631,212, T>C on the plus strand (A>G on the coding strand, the complement: TTN is on the minus strand). VCF-style: chr2-178631212-T-C. GRCh37 (hg19) VCF-style: chr2-179495939-T-C.
Other names: c.38913A>G, p.Ala12971= (NM_001256850.1); c.16641A>G, p.Ala5547= (NM_003319.4); c.36132A>G, p.Ala12044= (NM_133378.4); c.17016A>G, p.Ala5672= (NM_133432.3); c.17217A>G, p.Ala5739= (NM_133437.4).
Identifiers: ClinVar variation 263941 (VCV000263941.25), dbSNP rs755492644, ClinGen allele CA1995797.

ClinVar aggregate classification (germline): Conflicting classifications of pathogenicity. Review status: criteria provided, conflicting classifications (1 of 4 stars). 6 submissions from 6 submitters: Uncertain significance (1); Likely benign (5). Last evaluated 2026-01-16.

Conditions:
Cardiovascular phenotype. Identifiers: MedGen CN230736.
TTN-related disorder. Also called: TTN-related condition; TTN-related disease; TTN-related disorders.
Autosomal recessive limb-girdle muscular dystrophy type 2J (LGMDR10). Also called: MUSCULAR DYSTROPHY, LIMB-GIRDLE, AUTOSOMAL RECESSIVE 10; Limb-girdle muscular dystrophy, type 2J. Identifiers: Orphanet 140922, MedGen C1837342, MONDO:0012127, OMIM 608807.
Dilated cardiomyopathy 1G (CMD1G). Identifiers: Orphanet 154, MedGen C1858763, MONDO:0011400, OMIM 604145.

Allele frequency attached by ClinVar (database versions not stated): gnomAD 0.00001; gnomAD exomes 0.00001 and 0.00006; ExAC 0.00002; TOPMed 0.00004.
gnomAD v4.1: 88 of 1,613,044 alleles (0.0055%); highest among the groups gnomAD compares: Non-Finnish European, 0.0072%; no homozygotes.

Submissions (6):

Labcorp Genetics (formerly Invitae), Labcorp
Classification: Likely benign for Dilated cardiomyopathy 1G; Autosomal recessive limb-girdle muscular dystrophy type 2J. Last evaluated: 2026-01-16. Review status: criteria provided, single submitter. Criteria: Invitae Variant Classification Sherloc (09022015). Collection method: clinical testing. Allele origin: germline.

PreventionGenetics, part of Exact Sciences
Classification: Likely benign for TTN-related condition. Last evaluated: 2025-12-18. Review status: criteria provided, single submitter. Criteria: ACMG Guidelines, 2015. Collection method: clinical testing. Allele origin: germline.
Comment: This variant is classified as likely benign based on ACMG/AMP sequence variant interpretation guidelines (Richards et al. 2015 PMID: 25741868, with internal and published modifications).

Blueprint Genetics
Classification: Likely benign. Last evaluated: 2024-04-12. Review status: criteria provided, single submitter. Criteria: ACMG Guidelines, 2015. Collection method: clinical testing. Allele origin: germline.

GeneDx
Classification: Likely benign. Last evaluated: 2018-12-27. Review status: criteria provided, single submitter. Criteria: GeneDx Variant Classification Process June 2021. Collection method: clinical testing. Allele origin: germline. Affected: yes.

Eurofins Ntd Llc (ga)
Classification: Uncertain significance. Last evaluated: 2017-01-30. Review status: criteria provided, single submitter. Criteria: EGL Classification Definitions 2015. Collection method: clinical testing. Allele origin: germline. Observed: 2 variant alleles, 2 heterozygotes.

Ambry Genetics
Classification: Likely benign for Cardiovascular phenotype. Last evaluated: 2015-04-06. Review status: criteria provided, single submitter. Criteria: Ambry Variant Classification Scheme 2023. Collection method: clinical testing. Allele origin: germline.